The following is an entry in ClinVar:

NM_024675.4(PALB2):c.1730A>G (p.Asn577Ser)

Gene: PALB2 (partner and localizer of BRCA2; minus strand). Cytogenetic location: 16p12.2.
Variant type: single nucleotide variant.
Coding change: c.1730A>G on transcript NM_024675.4 (MANE Select); coding-DNA position 1730, A replaced by G.
Protein change: p.Asn577Ser; replaces asparagine 577 with serine.
Molecular consequence: missense variant.
Genome position (GRCh38, 1-based): chr16:23,630,424, T>C on the plus strand (A>G on the coding strand, the complement: PALB2 is on the minus strand). VCF-style: chr16-23630424-T-C. GRCh37 (hg19) VCF-style: chr16-23641745-T-C.
Other names: short protein forms N577S.
Identifiers: ClinVar variation 638970 (VCV000638970.15), dbSNP rs1597091371, ClinGen allele CA395128340.
Genomic context (GRCh38, chr16:23,630,424, plus strand): 5'-ATTCCATCCCTATGAAATGGAGCCGTGAAAGCATCATCATCCAAGGATAAATAAGCACTA[T>C]TACTCCAAGAAAGGGAATCCTCTTTTTGATGACGACTTTTCTTCCCTAAAGAAGAAAAAT-3'
Protein context (NP_078951.2, residues 567-587): HQKEDSLSWS[Asn577Ser]SAYLSLDDDA

ClinVar aggregate classification (germline): Uncertain significance. Review status: criteria provided, multiple submitters, no conflicts (2 of 4 stars). 3 submissions from 3 submitters: Uncertain significance (3). Last evaluated 2025-08-31.

Conditions:
Familial cancer of breast. Also called: hereditary breast carcinoma; Hereditary breast cancer; BREAST CANCER, FAMILIAL. Identifiers: Orphanet 227535, MedGen C0346153, MONDO:0016419, OMIM 114480. Disease mechanism: loss of function.
Breast-ovarian cancer, familial, susceptibility to, 5 (BROVCA5). Identifiers: MedGen C5830615, MONDO:0957530, OMIM 620442.
Hereditary cancer-predisposing syndrome. Also called: Hereditary Cancer Syndrome; Hereditary neoplastic syndrome; Tumor predisposition; Neoplastic Syndromes, Hereditary. Identifiers: Orphanet 140162, MedGen C0027672, MeSH D009386, MONDO:0015356.

Allele frequency attached by ClinVar (database versions not stated): gnomAD exomes below 0.00001; TOPMed below 0.00001.
gnomAD v4.1: 1 of 1,613,950 alleles (0.000062%); highest among the groups gnomAD compares: African/African-American, 0.0013%; no homozygotes.

Submissions (3):

Ambry Genetics
Classification: Uncertain significance for Hereditary cancer-predisposing syndrome. Last evaluated: 2025-08-31. Review status: criteria provided, single submitter. Criteria: Ambry Variant Classification Scheme 2023. Collection method: clinical testing. Allele origin: germline.
Comment: The p.N577S variant (also known as c.1730A>G), located in coding exon 5 of the PALB2 gene, results from an A to G substitution at nucleotide position 1730. The asparagine at codon 577 is replaced by serine, an amino acid with highly similar properties. This amino acid position is not well conserved in available vertebrate species. In addition, this alteration is predicted to be tolerated by in silico analysis. Since supporting evidence is limited at this time, the clinical significance of this alteration remains unclear.

Dasa
Classification: Uncertain significance for Breast-ovarian cancer, familial, susceptibility to, 5. Last evaluated: 2025-08-14. Review status: criteria provided, single submitter. Criteria: DASA Assertion Criteria. Collection method: clinical testing. Allele origin: germline.
Comment: NM_024675.4(PALB2):c.1730A>G (p.Asn577Ser) is a missense variant that results in the substitution of asparagine with serine. This variant is rare in population databases. The currently available literature and clinical evidence are not sufficient to establish a definitive association between this variant and the reported condition. Therefore, this variant is classified as a variant of uncertain significance.

Labcorp Genetics (formerly Invitae), Labcorp
Classification: Uncertain significance for Familial cancer of breast. Last evaluated: 2025-07-24. Review status: criteria provided, single submitter. Criteria: Invitae Variant Classification Sherloc (09022015). Collection method: clinical testing. Allele origin: germline.
Comment: This sequence change replaces asparagine, which is neutral and polar, with serine, which is neutral and polar, at codon 577 of the PALB2 protein (p.Asn577Ser). This variant is not present in population databases (gnomAD no frequency). This variant has not been reported in the literature in individuals affected with PALB2-related conditions. ClinVar contains an entry for this variant (Variation ID: 638970). Invitae Evidence Modeling of protein sequence and biophysical properties (such as structural, functional, and spatial information, amino acid conservation, physicochemical variation, residue mobility, and thermodynamic stability) indicates that this missense variant is not expected to disrupt PALB2 protein function with a negative predictive value of 80%. In summary, the available evidence is currently insufficient to determine the role of this variant in disease. Therefore, it has been classified as a Variant of Uncertain Significance.